The following is an entry in ClinVar:

NM_198253.3(TERT):c.1212del (p.Tyr405fs)

Gene: TERT (telomerase reverse transcriptase; minus strand). Cytogenetic location: 5p15.33.
Variant type: Deletion.
Coding change: c.1212del on transcript NM_198253.3 (MANE Select); coding-DNA position 1212, one base deleted (C; older notation c.1212delC).
Protein change: p.Tyr405fs; shifts the reading frame from tyrosine 405.
Molecular consequence: frameshift variant. On other transcripts: non-coding transcript variant (2).
Genome position (GRCh38, 1-based): chr5:1,293,674, G deleted on the plus strand (C on the coding strand, the reverse complement: TERT is on the minus strand); the first of 4 consecutive G bases (chr5:1,293,674-1,293,677); deleting any one gives the same sequence. VCF-style (leftmost placement, unchanged base first): chr5-1293673-AG-A. GRCh37 (hg19) VCF-style: chr5-1293788-AG-A.
Other names: c.1212del, p.Tyr405fs (NM_001193376.3); c.1212delC (NM_198253.2); short protein forms Y405fs.
Identifiers: ClinVar variation 3967378 (VCV003967378.1).

ClinVar aggregate classification (germline): Pathogenic (1 of 4 stars; one submission).

Conditions:
Dyskeratosis congenita. Identifiers: Orphanet 1775, MedGen C0265965, MONDO:0015780.

Submission:

Ambry Genetics
Classification: Pathogenic for Dyskeratosis congenita. Last evaluated: 2025-06-10. Review status: criteria provided, single submitter. Criteria: Ambry Variant Classification Scheme 2023. Collection method: clinical testing. Allele origin: germline.
Comment: The c.1212delC pathogenic mutation, located in coding exon 2 of the TERT gene, results from a deletion of one nucleotide at nucleotide position 1212, causing a translational frameshift with a predicted alternate stop codon (p.Y405Tfs*104). This variant is considered to be rare based on population cohorts in the Genome Aggregation Database (gnomAD). This alteration is expected to result in loss of function by premature protein truncation or nonsense-mediated mRNA decay. As such, this alteration is interpreted as a disease-causing mutation.